The following is an entry in ClinVar:

ClinVar aggregate classification (germline): Uncertain significance. Review status: criteria provided, multiple submitters, no conflicts (2 of 4 stars). 2 submissions from 2 submitters: Uncertain significance (2). Last evaluated 2022-04-10.

Conditions:
Hyperkalemic periodic paralysis. Also called: Familial hyperkalemic periodic paralysis; Gamstorp disease. Identifiers: Orphanet 682, MedGen C0238357, MONDO:0008224, OMIM 170500, HP:0007215.

Allele frequency attached by ClinVar (database versions not stated): gnomAD exomes 0.00002.
gnomAD v4.1: 31 of 1,614,118 alleles (0.0019%); highest among the groups gnomAD compares: Non-Finnish European, 0.0026%; no homozygotes.

Submissions (2):

Labcorp Genetics (formerly Invitae), Labcorp
Classification: Uncertain significance for Hyperkalemic periodic paralysis. Last evaluated: 2022-04-10. Review status: criteria provided, single submitter. Criteria: Invitae Variant Classification Sherloc (09022015). Collection method: clinical testing. Allele origin: germline.
Comment: This sequence change replaces glutamic acid, which is acidic and polar, with glutamine, which is neutral and polar, at codon 728 of the SCN4A protein (p.Glu728Gln). This variant is not present in population databases (gnomAD no frequency). This variant has not been reported in the literature in individuals affected with SCN4A-related conditions. Algorithms developed to predict the effect of missense changes on protein structure and function are either unavailable or do not agree on the potential impact of this missense change (SIFT: "Deleterious"; PolyPhen-2: "Probably Damaging"; Align-GVGD: "Class C0"). In summary, the available evidence is currently insufficient to determine the role of this variant in disease. Therefore, it has been classified as a Variant of Uncertain Significance.

Revvity Omics, Revvity
Classification: Uncertain significance. Last evaluated: 2019-08-14. Review status: criteria provided, single submitter. Criteria: ACMG Guidelines, 2015. Collection method: clinical testing. Allele origin: germline.

NM_000334.4(SCN4A):c.2182G>C (p.Glu728Gln)

Genes: GH-LCR (growth hormone locus control region; plus strand), SCN4A (sodium voltage-gated channel alpha subunit 4; minus strand). Cytogenetic location: 17q23.3.
Variant type: single nucleotide variant.
Coding change: c.2182G>C on transcript NM_000334.4 (MANE Select); coding-DNA position 2182, G replaced by C.
Protein change: p.Glu728Gln; replaces glutamic acid 728 with glutamine.
Molecular consequence: missense variant.
Genome position (GRCh38, 1-based): chr17:63,957,356, C>G on the plus strand (G>C on the coding strand, the complement: SCN4A is on the minus strand). VCF-style: chr17-63957356-C-G. GRCh37 (hg19) VCF-style: chr17-62034716-C-G.
Other names: short protein forms E728Q.
Identifiers: ClinVar variation 2413839 (VCV002413839.16), dbSNP rs1555603141, ClinGen allele CA400630821.